The following is an entry in ClinVar:

ClinVar aggregate classification (germline): Uncertain significance (1 of 4 stars; one submission).

Conditions:
POLD1-related polyposis and colorectal cancer syndrome (CRCS10). Also called: Colorectal cancer 10; COLORECTAL CANCER, SUSCEPTIBILITY TO, ON CHROMOSOME 19q; Colorectal cancer, susceptibility to, 10. Identifiers: Orphanet 220460, MedGen C2675481, MONDO:0012953, OMIM 612591.

Submission:

Labcorp Genetics (formerly Invitae), Labcorp
Classification: Uncertain significance for POLD1-related polyposis and colorectal cancer syndrome. Last evaluated: 2020-10-01. Review status: criteria provided, single submitter. Criteria: Invitae Variant Classification Sherloc (09022015). Collection method: clinical testing. Allele origin: germline.
Comment: Missense variants that disrupt the 3'-5' exonuclease (proof-reading) activity of the POLD1 protein are associated with an increased risk for colonic adenomatous polyps and colon cancer (PMID: 23263490, 23447401). However, loss-of-function variants, which result in an absent or severely disrupted POLD1 protein, and missense variants outside the exonuclease domain, are unlikely to be associated with polyposis or colon cancer. Without further clinical and genetic evidence, this variant has been classified as a Variant of Uncertain Significance. This sequence change affects an acceptor splice site in intron 23 of the POLD1 gene. It is expected to disrupt RNA splicing and likely results in an absent or disrupted protein product. The frequency data for this variant in the population databases is considered unreliable, as metrics indicate insufficient coverage at this position in the ExAC database. This variant has not been reported in the literature in individuals with POLD1-related conditions. Algorithms developed to predict the effect of sequence changes on RNA splicing suggest that this variant may disrupt the consensus splice site, but this prediction has not been confirmed by published transcriptional studies.

Literature cited by the submitters: PubMed 23263490; PubMed 23447401.

NM_002691.4(POLD1):c.2954-2delinsCG

Gene: POLD1 (DNA polymerase delta 1, catalytic subunit; plus strand). Cytogenetic location: 19q13.33.
Variant type: Indel.
Coding change: c.2954-2delinsCG on transcript NM_002691.4 (MANE Select); the canonical splice acceptor site of the intron before coding-DNA position 2954, A replaced by CG.
Molecular consequence: splice acceptor variant.
Genome position (GRCh38, 1-based): chr19:50,416,608, A replaced by CG. VCF-style: chr19-50416608-A-CG. GRCh37 (hg19) VCF-style: chr19-50919865-A-CG.
Other names: c.2954-2delinsCG (NM_001256849.1); c.3032-2delinsCG (NM_001308632.1).
Identifiers: ClinVar variation 3010812 (VCV003010812.3), dbSNP rs2480966576, ClinGen allele CA2740096965.